The following is an entry in ClinVar:

NM_000059.4(BRCA2):c.7436-1G>T

Gene: BRCA2 (BRCA2 DNA repair associated; plus strand). Cytogenetic location: 13q13.1.
Variant type: single nucleotide variant.
Coding change: c.7436-1G>T on transcript NM_000059.4 (MANE Select); the canonical splice acceptor site of the intron before coding-DNA position 7436, G replaced by T.
Molecular consequence: splice acceptor variant.
Genome position (GRCh38, 1-based): chr13:32,356,427, G>T. VCF-style: chr13-32356427-G-T. GRCh37 (hg19) VCF-style: chr13-32930564-G-T.
Other names: c.7436-1G>T (NM_001406720.1); c.7340-1G>T (NM_001406719.1); c.2504-1G>T (NM_001406721.1); c.1019-1G>T (NM_001406722.1).
Identifiers: ClinVar variation 928867 (VCV000928867.12), dbSNP rs886040939, ClinGen allele CA387742947.
Genomic context (GRCh38, chr13:32,356,427, plus strand): 5'-GCCAGGGGTTGTGCTTTTTAAATTTCAATTTTATTTTTGCTAAGTATTTATTCTTTGATA[G>T]ATTTAATTACAAGTCTTCAGAATGCCAGAGATATACAGGATATGCGAATTAAGAAGAAAC-3'

ClinVar aggregate classification (germline): Pathogenic/Likely pathogenic. Review status: criteria provided, multiple submitters, no conflicts (2 of 4 stars). 2 submissions from 2 submitters: Pathogenic (1); Likely pathogenic (1). Last evaluated 2020-10-27.

Conditions:
Hereditary breast ovarian cancer syndrome. Also called: Hereditary breast and ovarian cancer syndrome; Hereditary breast and ovarian cancer syndrome (HBOC); Hereditary breast and/or ovarian cancer syndrome; Hereditary breast and ovarian cancer; Breast and ovarian cancer; BRCA1- and BRCA2-Associated Hereditary Breast and Ovarian Cancer. Identifiers: Orphanet 145, MedGen C0677776, MeSH D061325, MONDO:0003582. Disease mechanism: loss of function.

Submissions (2):

Labcorp Genetics (formerly Invitae), Labcorp
Classification: Pathogenic for Hereditary breast ovarian cancer syndrome. Last evaluated: 2020-10-27. Review status: criteria provided, single submitter. Criteria: Invitae Variant Classification Sherloc (09022015). Collection method: clinical testing. Allele origin: germline.
Comment: For these reasons, this variant has been classified as Pathogenic. Experimental studies have shown that disruption of this splice site alters mRNA splicing and is expected to lead to the loss of protein expression (PMID: 22505045, 31191615). This variant has been observed in individual(s) with breast cancer (PMID: 30287823). ClinVar contains an entry for this variant (Variation ID: 928867). This variant is not present in population databases (ExAC no frequency). This sequence change affects an acceptor splice site in intron 14 of the BRCA2 gene. RNA analysis indicates that this variant induces altered splicing and may result in an absent or disrupted protein product.

Women's Health and Genetics/Laboratory Corporation of America, LabCorp
Classification: Likely pathogenic for Hereditary breast and ovarian cancer syndrome. Last evaluated: 2019-12-30. Review status: criteria provided, single submitter. Criteria: LabCorp Variant Classification Summary - May 2015. Collection method: clinical testing. Allele origin: germline.
Comment: Variant summary: BRCA2 c.7436-1G>T is located in a canonical splice-site and is predicted to affect mRNA splicing resulting in a significantly altered protein due to either exon skipping, shortening, or inclusion of intronic material. Several computational tools predict a significant impact on normal splicing: Four predict the variant abolishes the canonical 3' acceptor site. However, these predictions have yet to be confirmed by functional studies. The variant was absent in 251152 control chromosomes. c.7436-1G>T has been reported in the literature as a germline variant in at-least one individual of Japanese ancestry affected with Breast Cancer in a case control association study (Momozawa_2018). These data do not allow any conclusion about variant significance. To our knowledge, no experimental evidence demonstrating an impact on protein function has been reported. No clinical diagnostic laboratories have submitted clinical-significance assessments for this variant to ClinVar after 2014. Based on the evidence outlined above, the variant was classified as likely pathogenic.

Literature cited by the submitters: PubMed 22505045 (cited by Labcorp Genetics (formerly Invitae), Labcorp); PubMed 31191615 (cited by Labcorp Genetics (formerly Invitae), Labcorp); PubMed 30287823 (cited by Labcorp Genetics (formerly Invitae), Labcorp and Women's Health and Genetics/Laboratory Corporation of America, LabCorp).